The following is an entry in ClinVar:

NM_000093.5(COL5A1):c.2839G>A (p.Glu947Lys)

Gene: COL5A1 (collagen type V alpha 1 chain; plus strand). Cytogenetic location: 9q34.3.
Variant type: single nucleotide variant.
Coding change: c.2839G>A on transcript NM_000093.5 (MANE Select); coding-DNA position 2839, G replaced by A.
Protein change: p.Glu947Lys; replaces glutamic acid 947 with lysine.
Molecular consequence: missense variant.
Genome position (GRCh38, 1-based): chr9:134,796,413, G>A. VCF-style: chr9-134796413-G-A. GRCh37 (hg19) VCF-style: chr9-137688259-G-A.
Other names: c.2839G>A, p.Glu947Lys (NM_001278074.1); short protein forms E947K.
Identifiers: ClinVar variation 3602511 (VCV003602511.1).
Genomic context (GRCh38, chr9:134,796,413, plus strand): 5'-CCCCTCTCCTTCCCTCTCAAGGGCAACTCCGGAGGTGACGGCCCAGCTGGCCCTCCTGGT[G>A]AACGGGTAAGCAGCTGGAGCCTTCGGGGGTGTCTCCAAGGGCAGAGCCTGCCTCGAATGC-3'
Protein context (NP_000084.3, residues 937-957): GGDGPAGPPG[Glu947Lys]RGPNGPQGPT

ClinVar aggregate classification (germline): Uncertain significance (1 of 4 stars; one submission).

gnomAD v4.1: 1 of 1,614,148 alleles (0.000062%); highest among the groups gnomAD compares: Middle Eastern, 0.016%; no homozygotes.

Submission:

GeneDx
Classification: Uncertain significance. Last evaluated: 2024-08-01. Review status: criteria provided, single submitter. Criteria: GeneDx Variant Classification Process June 2021. Collection method: clinical testing. Allele origin: germline. Affected: yes.
Comment: Has not been previously published as pathogenic or benign to our knowledge; Not observed at significant frequency in large population cohorts (gnomAD); In silico analysis supports that this missense variant has a deleterious effect on protein structure/function; Occurs in the triple helical domain at the X position in the canonical Gly-X-Y repeat; although this variant may have an effect on normal protein folding and function, missense substitution at the X position is not a common mechanism of disease (PMID: 22696272; HGMD); This variant is associated with the following publications: (PMID: 22696272)